The following is an entry in ClinVar:

NM_000260.4(MYO7A):c.18+1G>A

Gene: MYO7A (myosin VIIA; plus strand). Cytogenetic location: 11q13.5.
Variant type: single nucleotide variant.
Coding change: c.18+1G>A on transcript NM_000260.4 (MANE Select); the canonical splice donor site of the intron after coding-DNA position 18, G replaced by A.
Molecular consequence: splice donor variant.
Genome position (GRCh38, 1-based): chr11:77,130,653, G>A. VCF-style: chr11-77130653-G-A. GRCh37 (hg19) VCF-style: chr11-76841699-G-A.
Other names: c.-96+1G>A (NM_001369365.1); c.18+1G>A (NM_001127180.2).
Identifiers: ClinVar variation 2711287 (VCV002711287.4), dbSNP rs2496360223, ClinGen allele CA381946804.

ClinVar aggregate classification (germline): Pathogenic/Likely pathogenic. Review status: criteria provided, multiple submitters, no conflicts (2 of 4 stars). 2 submissions from 2 submitters: Pathogenic (1); Likely pathogenic (1). Last evaluated 2024-10-11.

Conditions:
MYO7A-related disorder. Also called: MYO7A-related disorders.

Allele frequency attached by ClinVar (database versions not stated): gnomAD exomes below 0.00001.

Submissions (2):

Blueprint Genetics
Classification: Likely pathogenic for MYO7A-related disorders. Last evaluated: 2024-10-11. Review status: criteria provided, single submitter. Criteria: ACMG Guidelines, 2015. Collection method: clinical testing. Allele origin: germline. Affected: yes. Observed: 5 variant alleles.

Labcorp Genetics (formerly Invitae), Labcorp
Classification: Pathogenic. Last evaluated: 2024-01-25. Review status: criteria provided, single submitter. Criteria: Invitae Variant Classification Sherloc (09022015). Collection method: clinical testing. Allele origin: germline.
Comment: This sequence change affects a donor splice site in intron 2 of the MYO7A gene. It is expected to disrupt RNA splicing. Variants that disrupt the donor or acceptor splice site typically lead to a loss of protein function (PMID: 16199547), and loss-of-function variants in MYO7A are known to be pathogenic (PMID: 8900236, 25404053). This variant is not present in population databases (gnomAD no frequency). Disruption of this splice site has been observed in individuals with autosomal recessive deafness and/or Usher syndrome (PMID: 27068579, 32531858). Algorithms developed to predict the effect of sequence changes on RNA splicing suggest that this variant may disrupt the consensus splice site. For these reasons, this variant has been classified as Pathogenic.

Literature cited by the submitters: PubMed 16199547 (cited by Labcorp Genetics (formerly Invitae), Labcorp); PubMed 8900236 (cited by Labcorp Genetics (formerly Invitae), Labcorp); PubMed 25404053 (cited by Labcorp Genetics (formerly Invitae), Labcorp); PubMed 27068579 (cited by Labcorp Genetics (formerly Invitae), Labcorp); PubMed 32531858 (cited by Labcorp Genetics (formerly Invitae), Labcorp).